The following is an entry in ClinVar:

ClinVar aggregate classification (germline): Pathogenic. Review status: criteria provided, multiple submitters, no conflicts (2 of 4 stars). 2 submissions from 2 submitters: Pathogenic (2). Last evaluated 2025-07-29.

Conditions:
RNF168-related disorder. Also called: RNF168-related condition.

Submissions (2):

PreventionGenetics, part of Exact Sciences
Classification: Pathogenic for RNF168-related condition. Last evaluated: 2025-07-29. Review status: criteria provided, single submitter. Criteria: ACMG Guidelines, 2015. Collection method: clinical testing. Allele origin: germline.
Comment: The RNF168 c.477_480delACAG variant is predicted to result in a frameshift and premature protein termination (p.Ala161Lysfs*11). To our knowledge, this variant has not been reported in the literature. This variant is reported in 0.0033% of alleles in individuals of South Asian descent in gnomAD. This variant is expected to result in a loss of RNF168 protein and loss-of-function variants are expected to be pathogenic (Devgan et al. 2011. PubMed ID: 21394101; Stewart et al. 2009. PubMed ID: 19203578). This variant is classified as pathogenic in Clinvar (Variation ID: 2148010). This variant is interpreted as pathogenic.

Labcorp Genetics (formerly Invitae), Labcorp
Classification: Pathogenic. Last evaluated: 2024-04-17. Review status: criteria provided, single submitter. Criteria: Invitae Variant Classification Sherloc (09022015). Collection method: clinical testing. Allele origin: germline.
Comment: This sequence change creates a premature translational stop signal (p.Ala161Lysfs*11) in the RNF168 gene. It is expected to result in an absent or disrupted protein product. Loss-of-function variants in RNF168 are known to be pathogenic (PMID: 19203578, 21394101). This variant is present in population databases (rs771720993, gnomAD 0.003%). This variant has not been reported in the literature in individuals affected with RNF168-related conditions. ClinVar contains an entry for this variant (Variation ID: 2148010). For these reasons, this variant has been classified as Pathogenic.

Literature cited by the submitters: PubMed 19203578 (cited by Labcorp Genetics (formerly Invitae), Labcorp); PubMed 21394101 (cited by Labcorp Genetics (formerly Invitae), Labcorp).

NM_152617.4(RNF168):c.477_480del (p.Ala161fs)

Gene: RNF168 (ring finger protein 168; minus strand). Cytogenetic location: 3q29.
Variant type: Deletion.
Coding change: c.477_480del on transcript NM_152617.4 (MANE Select); coding-DNA positions 477 to 480, 4 bases deleted (ACAG; older notation c.477_480delACAG).
Protein change: p.Ala161fs; shifts the reading frame from alanine 161.
Molecular consequence: frameshift variant.
Genome position (GRCh38, 1-based): chr3:196,487,477-196,487,480, CTGT deleted on the plus strand (ACAG on the coding strand, the reverse complement: RNF168 is on the minus strand); deleting any 4 consecutive bases within chr3:196,487,477-196,487,482 gives the same sequence; the c. name uses the placement nearest the transcript's 3' end. VCF-style (leftmost placement, unchanged base first): chr3-196487476-CCTGT-C. GRCh37 (hg19) VCF-style: chr3-196214347-CCTGT-C.
Other names: c.477_480delACAG (NM_152617.3); short protein forms A161fs.
Identifiers: ClinVar variation 2148010 (VCV002148010.5), dbSNP rs771720993, ClinGen allele CA2780926.